The following is an entry in ClinVar:

ClinVar aggregate classification (germline): Likely benign (0 of 4 stars; one submission).

Conditions:
ATP2A3-related disorder. Also called: ATP2A3-related condition.

Allele frequency attached by ClinVar (database versions not stated): TOPMed 0.00009; gnomAD 0.00022; 1000 Genomes Project 0.00100; ExAC 0.00109; 1000 Genomes Project 30x 0.00125.
gnomAD v4.1: 720 of 1,613,846 alleles (0.045%); highest among the groups gnomAD compares: South Asian, 0.71%; 9 homozygotes.

Submission:

PreventionGenetics, part of Exact Sciences
Classification: Likely benign for ATP2A3-related condition. Last evaluated: 2019-02-22. Review status: no assertion criteria provided. Collection method: clinical testing. Allele origin: germline.
Comment: This variant is classified as likely benign based on ACMG/AMP sequence variant interpretation guidelines (Richards et al. 2015 PMID: 25741868, with internal and published modifications).

NM_005173.4(ATP2A3):c.498C>T (p.Ile166=)

Gene: ATP2A3 (ATPase sarcoplasmic/endoplasmic reticulum Ca2+ transporting 3; minus strand). Cytogenetic location: 17p13.2.
Variant type: single nucleotide variant.
Coding change: c.498C>T on transcript NM_005173.4 (MANE Select); coding-DNA position 498, C replaced by T.
Protein change: p.Ile166=; no amino-acid change (isoleucine 166 retained).
Molecular consequence: synonymous variant.
Genome position (GRCh38, 1-based): chr17:3,950,739, G>A on the plus strand (C>T on the coding strand, the complement: ATP2A3 is on the minus strand). VCF-style: chr17-3950739-G-A. GRCh37 (hg19) VCF-style: chr17-3854033-G-A.
Other names: c.498C>T, p.Ile166= (NM_174953.3, NM_174954.3, NM_174955.3 and 3 more transcripts).
Identifiers: ClinVar variation 3038739 (VCV003038739.2), dbSNP rs549656516, ClinGen allele CA8297527.